The following is an entry in ClinVar:

ClinVar aggregate classification (germline): Uncertain significance (1 of 4 stars; one submission).

Allele frequency attached by ClinVar (database versions not stated): gnomAD exomes 0.00001.
gnomAD v4.1: 14 of 1,612,266 alleles (0.00087%); highest among the groups gnomAD compares: Non-Finnish European, 0.0012%; no homozygotes.

Submission:

Labcorp Genetics (formerly Invitae), Labcorp
Classification: Uncertain significance. Last evaluated: 2022-06-07. Review status: criteria provided, single submitter. Criteria: Invitae Variant Classification Sherloc (09022015). Collection method: clinical testing. Allele origin: germline.
Comment: This sequence change replaces glycine, which is neutral and non-polar, with cysteine, which is neutral and slightly polar, at codon 1616 of the CPLANE1 protein (p.Gly1616Cys). This variant is not present in population databases (gnomAD no frequency). This variant has not been reported in the literature in individuals affected with CPLANE1-related conditions. Advanced modeling of protein sequence and biophysical properties (such as structural, functional, and spatial information, amino acid conservation, physicochemical variation, residue mobility, and thermodynamic stability) performed at Invitae indicates that this missense variant is expected to disrupt CPLANE1 protein function. In summary, the available evidence is currently insufficient to determine the role of this variant in disease. Therefore, it has been classified as a Variant of Uncertain Significance.

NM_001384732.1(CPLANE1):c.4846G>T (p.Gly1616Cys)

Gene: CPLANE1 (ciliogenesis and planar polarity effector complex subunit 1; minus strand). Cytogenetic location: 5p13.2.
Variant type: single nucleotide variant.
Coding change: c.4846G>T on transcript NM_001384732.1 (MANE Select); coding-DNA position 4846, G replaced by T.
Protein change: p.Gly1616Cys; replaces glycine 1616 with cysteine.
Molecular consequence: missense variant.
Genome position (GRCh38, 1-based): chr5:37,183,335, C>A on the plus strand (G>T on the coding strand, the complement: CPLANE1 is on the minus strand). VCF-style: chr5-37183335-C-A. GRCh37 (hg19) VCF-style: chr5-37183437-C-A.
Other names: c.4846G>T, p.Gly1616Cys (NM_023073.4); short protein forms G1616C.
Identifiers: ClinVar variation 2121944 (VCV002121944.4), dbSNP rs2547832111, ClinGen allele CA359495696.